The following is an entry in ClinVar:

NM_015466.4(PTPN23):c.895C>T (p.Arg299Cys)

Gene: PTPN23 (protein tyrosine phosphatase non-receptor type 23; plus strand). Cytogenetic location: 3p21.31.
Variant type: single nucleotide variant.
Coding change: c.895C>T on transcript NM_015466.4 (MANE Select); coding-DNA position 895, C replaced by T.
Protein change: p.Arg299Cys; replaces arginine 299 with cysteine.
Molecular consequence: missense variant.
Genome position (GRCh38, 1-based): chr3:47,407,339, C>T. VCF-style: chr3-47407339-C-T. GRCh37 (hg19) VCF-style: chr3-47448829-C-T.
Other names: c.517C>T, p.Arg173Cys (NM_001304482.2); c.895C>T (NM_015466.2); short protein forms R173C, R299C.
Identifiers: ClinVar variation 1499242 (VCV001499242.7), dbSNP rs752087813, ClinGen allele CA2365547.

ClinVar aggregate classification (germline): Uncertain significance. Review status: criteria provided, multiple submitters, no conflicts (2 of 4 stars). 3 submissions from 3 submitters: Uncertain significance (3). Last evaluated 2025-04-16.

Conditions:
Inborn genetic diseases. Identifiers: MedGen C0950123, MeSH D030342.

Allele frequency attached by ClinVar (database versions not stated): gnomAD 0.00001 and 0.00002; ExAC 0.00002; gnomAD exomes 0.00002 and 0.00003; TOPMed 0.00002.
gnomAD v4.1: 47 of 1,613,920 alleles (0.0029%); highest among the groups gnomAD compares: South Asian, 0.0099%; no homozygotes.

Submissions (3):

Labcorp Genetics (formerly Invitae), Labcorp
Classification: Uncertain significance. Last evaluated: 2025-04-16. Review status: criteria provided, single submitter. Criteria: Invitae Variant Classification Sherloc (09022015). Collection method: clinical testing. Allele origin: germline.
Comment: This sequence change replaces arginine, which is basic and polar, with cysteine, which is neutral and slightly polar, at codon 299 of the PTPN23 protein (p.Arg299Cys). This variant is present in population databases (rs752087813, gnomAD 0.01%). This variant has not been reported in the literature in individuals affected with PTPN23-related conditions. ClinVar contains an entry for this variant (Variation ID: 1499242). Experimental studies and prediction algorithms are not available or were not evaluated, and the functional significance of this variant is currently unknown. Algorithms developed to predict the effect of sequence changes on RNA splicing suggest that this variant may disrupt the consensus splice site. In summary, the available evidence is currently insufficient to determine the role of this variant in disease. Therefore, it has been classified as a Variant of Uncertain Significance.

Ambry Genetics
Classification: Uncertain significance for Inborn genetic diseases. Last evaluated: 2023-03-01. Review status: criteria provided, single submitter. Criteria: Ambry Variant Classification Scheme 2023. Collection method: clinical testing. Allele origin: germline.

Blueprint Genetics
Classification: Uncertain significance. Last evaluated: 2022-11-15. Review status: criteria provided, single submitter. Criteria: ACMG Guidelines, 2015. Collection method: clinical testing. Allele origin: germline.